The following is an entry in ClinVar:

NC_000005.10:g.112850829T>C

Variant type: single nucleotide variant.
Genome position: GRCh38 VCF-style: chr5-112850829-T-C. GRCh37 (hg19) VCF-style: chr5-112186526-T-C.
Identifiers: ClinVar variation 82664 (VCV000082664.3), dbSNP rs79660756, ClinGen allele CA250804.

ClinVar aggregate classification (germline): other (0 of 4 stars; one submission).

Conditions:
Familial colorectal cancer. Identifiers: MedGen CN280943, MONDO:0023113. Disease mechanism: loss of function.

Submission:

Systems Biology Platform Zhejiang California International NanoSystems Institute
Classification: other for Familial colorectal cancer. Review status: no assertion criteria provided. Collection method: not provided. Allele origin: unknown.
ClinVar note: Converted during submission from cancer to other.